The following is an entry in ClinVar:

NM_138691.3(TMC1):c.545G>A (p.Gly182Asp)

Gene: TMC1 (transmembrane channel like 1; plus strand). Cytogenetic location: 9q21.13.
Variant type: single nucleotide variant.
Coding change: c.545G>A on transcript NM_138691.3 (MANE Select); coding-DNA position 545, G replaced by A.
Protein change: p.Gly182Asp; replaces glycine 182 with aspartic acid.
Molecular consequence: missense variant.
Genome position (GRCh38, 1-based): chr9:72,751,859, G>A. VCF-style: chr9-72751859-G-A. GRCh37 (hg19) VCF-style: chr9-75366775-G-A.
Other names: short protein forms G182D.
Identifiers: ClinVar variation 3902161 (VCV003902161.1).

ClinVar aggregate classification (germline): Uncertain significance (1 of 4 stars; one submission).

gnomAD v4.1: 56 of 1,607,554 alleles (0.0035%); highest among the groups gnomAD compares: Non-Finnish European, 0.0043%; no homozygotes.

Submission:

Women's Health and Genetics/Laboratory Corporation of America, LabCorp
Classification: Uncertain significance. Last evaluated: 2025-05-16. Review status: criteria provided, single submitter. Criteria: LabCorp Variant Classification Summary - May 2015. Collection method: clinical testing. Allele origin: germline.
Comment: Variant summary: TMC1 c.545G>A (p.Gly182Asp) results in a non-conservative amino acid change in the encoded protein sequence. Algorithms developed to predict the effect of missense changes on protein structure and function all suggest that this variant is likely to be disruptive. The variant allele was found at a frequency of 2.4e-05 in 251244 control chromosomes. The available data on variant occurrences in the general population are insufficient to allow any conclusion about variant significance. c.545G>A has been observed in an individual affected with Nonsyndromic Hearing Loss And Deafness, Type 7 (Sloan-Heggen_2016). These data do not allow any conclusion about variant significance. To our knowledge, no experimental evidence demonstrating an impact on protein function has been reported. The following publication have been ascertained in the context of this evaluation (PMID: 26969326). No submitters have cited clinical-significance assessments for this variant to ClinVar. Based on the evidence outlined above, the variant was classified as uncertain significance.

Literature cited by the submitters: PubMed 26969326.